The following is an entry in ClinVar:

NM_014314.4(RIGI):c.1900G>A (p.Val634Met)

Gene: RIGI (RNA sensor RIG-I; minus strand). Cytogenetic location: 9p21.1.
Variant type: single nucleotide variant.
Coding change: c.1900G>A on transcript NM_014314.4 (MANE Select); coding-DNA position 1900, G replaced by A.
Protein change: p.Val634Met; replaces valine 634 with methionine.
Molecular consequence: missense variant.
Genome position (GRCh38, 1-based): chr9:32,477,006, C>T on the plus strand (G>A on the coding strand, the complement: RIGI is on the minus strand). VCF-style: chr9-32477006-C-T. GRCh37 (hg19) VCF-style: chr9-32477004-C-T.
Other names: c.1894G>A, p.Val632Met (NM_001385907.1); c.1900G>A, p.Val634Met (NM_001385909.1); c.1459G>A, p.Val487Met (NM_001385910.1); c.1291G>A, p.Val431Met (NM_001385912.1); c.1885G>A, p.Val629Met (NM_001385913.1); c.1456G>A, p.Val486Met (NM_001385914.1); short protein forms V486M, V487M, V632M, V431M, V629M, V634M.
Identifiers: ClinVar variation 2028001 (VCV002028001.4), dbSNP rs1563962144, ClinGen allele CA373148637.

ClinVar aggregate classification (germline): Uncertain significance (1 of 4 stars; one submission).

Allele frequency attached by ClinVar (database versions not stated): gnomAD exomes below 0.00001.
gnomAD v4.1: 1 of 1,613,722 alleles (0.000062%); highest among the groups gnomAD compares: East Asian, 0.0022%; no homozygotes.

Submission:

Labcorp Genetics (formerly Invitae), Labcorp
Classification: Uncertain significance. Last evaluated: 2022-08-30. Review status: criteria provided, single submitter. Criteria: Invitae Variant Classification Sherloc (09022015). Collection method: clinical testing. Allele origin: germline.
Comment: This variant has not been reported in the literature in individuals affected with DDX58-related conditions. Algorithms developed to predict the effect of missense changes on protein structure and function are either unavailable or do not agree on the potential impact of this missense change (SIFT: "Deleterious"; PolyPhen-2: "Probably Damaging"; Align-GVGD: "Class C0"). In summary, the available evidence is currently insufficient to determine the role of this variant in disease. Therefore, it has been classified as a Variant of Uncertain Significance. This sequence change replaces valine, which is neutral and non-polar, with methionine, which is neutral and non-polar, at codon 634 of the DDX58 protein (p.Val634Met). This variant is not present in population databases (gnomAD no frequency).